The following is an entry in ClinVar:

ClinVar aggregate classification (germline): Uncertain significance (1 of 4 stars; one submission).

Conditions:
Renal cell carcinoma. Identifiers: Orphanet 217071, MedGen C0007134, MeSH D002292, MONDO:0005086, HP:0005584.

Submission:

Labcorp Genetics (formerly Invitae), Labcorp
Classification: Uncertain significance for Renal cell carcinoma. Last evaluated: 2019-08-10. Review status: criteria provided, single submitter. Criteria: Invitae Variant Classification Sherloc (09022015). Collection method: clinical testing. Allele origin: germline.
Comment: This sequence change replaces histidine with aspartic acid at codon 904 of the MET protein (p.His904Asp). The histidine residue is weakly conserved and there is a moderate physicochemical difference between histidine and aspartic acid. This variant is not present in population databases (ExAC no frequency). This variant has not been reported in the literature in individuals with MET-related conditions. Algorithms developed to predict the effect of missense changes on protein structure and function (SIFT, PolyPhen-2, Align-GVGD) all suggest that this variant is likely to be tolerated, but these predictions have not been confirmed by published functional studies and their clinical significance is uncertain. In summary, the available evidence is currently insufficient to determine the role of this variant in disease. Therefore, it has been classified as a Variant of Uncertain Significance.

NM_000245.4(MET):c.2656C>G (p.His886Asp)

Gene: MET (MET proto-oncogene, receptor tyrosine kinase; plus strand). Cytogenetic location: 7q31.2.
Variant type: single nucleotide variant.
Coding change: c.2656C>G on transcript NM_000245.4 (MANE Select); coding-DNA position 2656, C replaced by G.
Protein change: p.His886Asp; replaces histidine 886 with aspartic acid.
Molecular consequence: missense variant.
Genome position (GRCh38, 1-based): chr7:116,769,717, C>G. VCF-style: chr7-116769717-C-G. GRCh37 (hg19) VCF-style: chr7-116409771-C-G.
Other names: c.2710C>G, p.His904Asp (NM_001127500.3); c.2656C>G, p.His886Asp (NM_001324401.3); c.1366C>G, p.His456Asp (NM_001324402.2); short protein forms H886D, H456D, H904D.
Identifiers: ClinVar variation 952705 (VCV000952705.9), dbSNP rs1209392687, ClinGen allele CA368985582.